The following is an entry in ClinVar:

ClinVar aggregate classification (germline): Conflicting classifications of pathogenicity. Review status: criteria provided, conflicting classifications (1 of 4 stars). 2 submissions from 2 submitters: Uncertain significance (1); Likely benign (1). Last evaluated 2021-09-24.

Conditions:
Muscular dystrophy-dystroglycanopathy (congenital with brain and eye anomalies), type A2. Also called: MUSCULAR DYSTROPHY-DYSTROGLYCANOPATHY (CONGENITAL WITH BRAIN AND EYE ANOMALIES), TYPE A, 2; WALKER-WARBURG SYNDROME OR MUSCLE-EYE-BRAIN DISEASE, POMT2-RELATED. Identifiers: Orphanet 588, Orphanet 899, MedGen C3150411, MONDO:0013154, OMIM 613150.
Muscular dystrophy-dystroglycanopathy (congenital with impaired intellectual development), type B, 2. Also called: Muscular dystrophy-dystroglycanopathy (congenital with intellectual disability), type B2; MUSCULAR DYSTROPHY, CONGENITAL, POMT2-RELATED. Identifiers: MedGen C3150416, MONDO:0013160, OMIM 613156.
Autosomal recessive limb-girdle muscular dystrophy type 2N. Also called: Muscular dystrophy-dystroglycanopathy (limb-girdle), type C, 2; MUSCULAR DYSTROPHY-DYSTROGLYCANOPATHY, LIMB-GIRDLE, POMT2-RELATED. Identifiers: Orphanet 206559, MedGen C3150418, MONDO:0013162, OMIM 613158.

Allele frequency attached by ClinVar (database versions not stated): gnomAD 0.00015 and 0.00016; ExAC 0.00015; ESP Exome Variant Server 0.00031; TOPMed 0.00015.
gnomAD v4.1: 40 of 1,506,972 alleles (0.0027%); highest among the groups gnomAD compares: African/African-American, 0.053%; no homozygotes.

Submissions (2):

Labcorp Genetics (formerly Invitae), Labcorp
Classification: Uncertain significance for Muscular dystrophy-dystroglycanopathy (congenital with impaired intellectual development), type B, 2; Muscular dystrophy-dystroglycanopathy (congenital with brain and eye anomalies), type A2; Autosomal recessive limb-girdle muscular dystrophy type 2N. Last evaluated: 2021-09-24. Review status: criteria provided, single submitter. Criteria: Invitae Variant Classification Sherloc (09022015). Collection method: clinical testing. Allele origin: germline.
Comment: This sequence change replaces tryptophan with arginine at codon 695 of the POMT2 protein (p.Trp695Arg). The tryptophan residue is weakly conserved and there is a moderate physicochemical difference between tryptophan and arginine. This variant is present in population databases (rs139308429, ExAC 0.1%). This variant has not been reported in the literature in individuals with POMT2-related disease. Algorithms developed to predict the effect of missense changes on protein structure and function (SIFT, PolyPhen-2, Align-GVGD) all suggest that this variant is likely to be tolerated, but these predictions have not been confirmed by published functional studies and their clinical significance is uncertain. Algorithms developed to predict the effect of sequence changes on RNA splicing suggest that this variant may create or strengthen a splice site, but this prediction has not been confirmed by published transcriptional studies. In summary, the available evidence is currently insufficient to determine the role of this variant in disease. Therefore, it has been classified as a Variant of Uncertain Significance.

Athena Diagnostics
Classification: Likely benign. Last evaluated: 2019-09-25. Review status: criteria provided, single submitter. Criteria: Athena Diagnostics Criteria. Collection method: clinical testing. Allele origin: unknown.

NM_013382.7(POMT2):c.2083T>A (p.Trp695Arg)

Gene: POMT2 (protein O-mannosyltransferase 2; minus strand). Cytogenetic location: 14q24.3.
Variant type: single nucleotide variant.
Coding change: c.2083T>A on transcript NM_013382.7 (MANE Select); coding-DNA position 2083, T replaced by A.
Protein change: p.Trp695Arg; replaces tryptophan 695 with arginine.
Molecular consequence: missense variant.
Genome position (GRCh38, 1-based): chr14:77,278,458, A>T on the plus strand (T>A on the coding strand, the complement: POMT2 is on the minus strand). VCF-style: chr14-77278458-A-T. GRCh37 (hg19) VCF-style: chr14-77744801-A-T.
Other names: short protein forms W695R.
Identifiers: ClinVar variation 994733 (VCV000994733.6), dbSNP rs139308429, ClinGen allele CA7285550.
Genomic context (GRCh38, chr14:77,278,458, plus strand): 5'-AGGCAGTTCCCAGGAGCAGGCTCAGGATTCCCGCCACATGTATGCCCCTCGCCAGGGGCC[A>T]TGAGGCCAAGCCCCAGGCACAGAGCCGCAGGAGGGTGTCCCACAGAATGCCTAGAGGAGA-3'
Protein context (NP_037514.2, residues 685-705): LRLCAWGLAS[Trp695Arg]PLARGIHVAG